The following is an entry in ClinVar:

ClinVar aggregate classification (germline): Conflicting classifications of pathogenicity. Review status: criteria provided, conflicting classifications (1 of 4 stars). 2 submissions from 2 submitters: Likely pathogenic (1); Uncertain significance (1). Last evaluated 2020-08-01.

Conditions:
Autosomal recessive nonsyndromic hearing loss 63. Identifiers: Orphanet 90636, MedGen C1969621, MONDO:0012670, OMIM 611451.

Allele frequency attached by ClinVar (database versions not stated): ExAC 0.00007.

Submissions (2):

King Laboratory, University of Washington
Classification: Likely pathogenic for Autosomal recessive nonsyndromic hearing loss 63. Last evaluated: 2020-08-01. Review status: criteria provided, single submitter. Criteria: Abu Rayyan A et al. (Proc Natl Acad Sci U S A 2020). Collection method: research. Allele origin: germline. Affected: yes.
Comment: LRTOMT c.327C>T (p.C109C) is predicted to create an alternate exon 7 donor splice site at c.326, leading to transcriptional loss of 33bp and aa 110-120 (Abu Rayyan 2020). This variant cosegregates with pre-lingual profound hearing loss in a sibship of 9 children. The 3 affected children are homozygous for the variant and the 6 hearing children are heterozygous or homozygous for the reference allele. The variant is absent from 1300 Palestinian controls and from gnomAD v2.1.1.

Illumina Laboratory Services, Illumina
Classification: Uncertain significance for Autosomal recessive nonsyndromic hearing loss 63. Last evaluated: 2018-01-13. Review status: criteria provided, single submitter. Criteria: ICSL Variant Classification Criteria 13 December 2019. Collection method: clinical testing. Allele origin: germline.

NM_001145308.5(LRTOMT):c.327C>T (p.Cys109=)

Genes: TOMT (transmembrane O-methyltransferase; plus strand), LRTOMT (leucine rich transmembrane and O-methyltransferase domain containing; plus strand). Cytogenetic location: 11q13.4.
Variant type: single nucleotide variant.
Coding change: c.327C>T on transcript NM_001145308.5; coding-DNA position 327, C replaced by T.
Protein change: p.Cys109=; no amino-acid change (cysteine 109 retained).
Molecular consequence: synonymous variant.
Genome position (GRCh38, 1-based): chr11:72,106,179, C>T. VCF-style: chr11-72106179-C-T. GRCh37 (hg19) VCF-style: chr11-71817225-C-T.
Other names: c.327C>T, p.Cys109= (NM_001145309.4); c.207C>T, p.Cys69= (NM_001145310.4).
Identifiers: ClinVar variation 881770 (VCV000881770.7), dbSNP rs774544844, ClinGen allele CA6168589.